The following is an entry in ClinVar:

ClinVar aggregate classification (germline): Uncertain significance (1 of 4 stars; one submission).

Conditions:
Hyper-IgE recurrent infection syndrome 1, autosomal dominant. Also called: JOB SYNDROME; Job's Syndrome; STAT3 Hyper IgE Syndrome; Hyper-IgE recurrent infection syndrome 1; HYPER-IgE SYNDROME 1, AUTOSOMAL DOMINANT, WITH RECURRENT INFECTIONS. Identifiers: Orphanet 2314, MedGen C2936739, MONDO:0007818, OMIM 147060.
STAT3 gain of function. Identifiers: MedGen C4288261.

gnomAD v4.1: 5 of 1,614,216 alleles (0.00031%); highest among the groups gnomAD compares: Admixed American, 0.0017%; no homozygotes.

Submission:

Labcorp Genetics (formerly Invitae), Labcorp
Classification: Uncertain significance for STAT3 gain of function; Hyper-IgE recurrent infection syndrome 1, autosomal dominant. Last evaluated: 2025-12-21. Review status: criteria provided, single submitter. Criteria: Invitae Variant Classification Sherloc (09022015). Collection method: clinical testing. Allele origin: germline.
Comment: This sequence change replaces glycine, which is neutral and non-polar, with arginine, which is basic and polar, at codon 684 of the STAT3 protein (p.Gly684Arg). This variant is not present in population databases (gnomAD no frequency). This variant has not been reported in the literature in individuals affected with STAT3-related conditions. ClinVar contains an entry for this variant (Variation ID: 2931095). Invitae Evidence Modeling of protein sequence and biophysical properties (such as structural, functional, and spatial information, amino acid conservation, physicochemical variation, residue mobility, and thermodynamic stability) indicates that this missense variant is not expected to disrupt STAT3 protein function with a negative predictive value of 80%. In summary, the available evidence is currently insufficient to determine the role of this variant in disease. Therefore, it has been classified as a Variant of Uncertain Significance.

NM_139276.3(STAT3):c.2050G>A (p.Gly684Arg)

Gene: STAT3 (signal transducer and activator of transcription 3; minus strand). Cytogenetic location: 17q21.2.
Variant type: single nucleotide variant.
Coding change: c.2050G>A on transcript NM_139276.3 (MANE Select); coding-DNA position 2050, G replaced by A.
Protein change: p.Gly684Arg; replaces glycine 684 with arginine.
Molecular consequence: missense variant.
Genome position (GRCh38, 1-based): chr17:42,322,333, C>T on the plus strand (G>A on the coding strand, the complement: STAT3 is on the minus strand). VCF-style: chr17-42322333-C-T. GRCh37 (hg19) VCF-style: chr17-40474351-C-T.
Other names: c.2050G>A, p.Gly684Arg (NM_001369516.1, NM_001369517.1, NM_001369518.1 and 9 more transcripts); c.1966G>A, p.Gly656Arg (NM_001384984.1); c.1972G>A, p.Gly658Arg (NM_001384985.1); c.2065G>A, p.Gly689Arg (NM_001384986.1, NM_001384990.1); c.2029G>A, p.Gly677Arg (NM_001384987.1); c.1954G>A, p.Gly652Arg (NM_001384989.1); c.2023G>A, p.Gly675Arg (NM_001384991.1); c.1990G>A, p.Gly664Arg (NM_001384992.1); short protein forms G652R, G656R, G684R, G689R, G664R, G675R, G658R, G677R.
Identifiers: ClinVar variation 2931095 (VCV002931095.3), dbSNP rs780466766, ClinGen allele CA290732175.